The following is an entry in ClinVar:

ClinVar aggregate classification (germline): Likely benign. Review status: criteria provided, multiple submitters, no conflicts (2 of 4 stars). 2 submissions from 2 submitters: Likely benign (2). Last evaluated 2025-11-02.

Allele frequency attached by ClinVar (database versions not stated): TOPMed below 0.00001; gnomAD 0.00001; gnomAD exomes 0.00002; ExAC 0.00003.
gnomAD v4.1: 29 of 1,614,112 alleles (0.0018%); highest among the groups gnomAD compares: Middle Eastern, 0.049%; no homozygotes.

Submissions (2):

Labcorp Genetics (formerly Invitae), Labcorp
Classification: Likely benign. Last evaluated: 2025-11-02. Review status: criteria provided, single submitter. Criteria: Invitae Variant Classification Sherloc (09022015). Collection method: clinical testing. Allele origin: germline.

CeGaT Center for Human Genetics Tuebingen
Classification: Likely benign. Last evaluated: 2023-06-01. Review status: criteria provided, single submitter. Criteria: CeGaT Center For Human Genetics Tuebingen Variant Classification Criteria Version 2. Collection method: clinical testing. Allele origin: germline. Affected: yes. Observed: 1 variant allele.
Comment: TRRAP: BP4, BP7

NM_001375524.1(TRRAP):c.10044A>G (p.Glu3348=)

Gene: TRRAP (transformation/transcription domain associated protein; plus strand). Cytogenetic location: 7q22.1.
Variant type: single nucleotide variant.
Coding change: c.10044A>G on transcript NM_001375524.1 (MANE Select); coding-DNA position 10044, A replaced by G.
Protein change: p.Glu3348=; no amino-acid change (glutamic acid 3348 retained).
Molecular consequence: synonymous variant.
Genome position (GRCh38, 1-based): chr7:98,993,734, A>G. VCF-style: chr7-98993734-A-G. GRCh37 (hg19) VCF-style: chr7-98591357-A-G.
Other names: c.10002A>G, p.Glu3334= (NM_001244580.2); c.9915A>G, p.Glu3305= (NM_003496.4).
Identifiers: ClinVar variation 2069686 (VCV002069686.28), dbSNP rs769719515, ClinGen allele CA4361838.
Genomic context (GRCh38, chr7:98,993,734, plus strand): 5'-TCTGTCTTCCCTGGAAGGCATCGTCGATCAGATGGTCTGGTTCAGAGAAAATTGGCATGA[A>G]GAGGTATTTGGCTCTGATCTTGCACATGGTGGCTCCTTGTAGAGGGGACGTGGTGTTCTG-3'
Protein context (NP_001362453.1, residues 3338-3358): QMVWFRENWH[Glu3348=]EVLRQLQQGL